The following is an entry in ClinVar:

ClinVar aggregate classification (germline): Conflicting classifications of pathogenicity. Review status: criteria provided, conflicting classifications (1 of 4 stars). 8 submissions from 7 submitters: Uncertain significance (4); Likely benign (3). 1 of the submissions does not count toward it. Last evaluated 2026-01-26.

Conditions:
Cranioectodermal dysplasia 4 (CED4). Identifiers: Orphanet 1515, MedGen C3280616, MONDO:0013719, OMIM 614378.
Asphyxiating thoracic dystrophy 5 (SRTD5). Also called: SHORT-RIB THORACIC DYSPLASIA 5 WITH OR WITHOUT POLYDACTYLY; SHORT-RIB THORACIC DYSPLASIA 5 WITHOUT POLYDACTYLY. Identifiers: Orphanet 474, MedGen C3280598, MONDO:0013717, OMIM 614376.
Senior-Loken syndrome 8 (SLSN8). Identifiers: Orphanet 3156, MedGen C4225376, MONDO:0014579, OMIM 616307.
Nephronophthisis 13 (NPHP13). Identifiers: Orphanet 655, MedGen C3280612, MONDO:0013718, OMIM 614377.
Spermatogenic failure 72 (SPGF72). Identifiers: MedGen C5676980, MONDO:0030809, OMIM 619867.
WDR19-related disorder. Also called: WDR19-related condition; WDR19-related disorders. Identifiers: MedGen CN380161.

Allele frequency attached by ClinVar (database versions not stated): 1000 Genomes Project 30x 0.00031; 1000 Genomes Project 0.00040; TOPMed 0.00095; ESP Exome Variant Server 0.00116; ExAC 0.00138; gnomAD 0.00144 and 0.00150; gnomAD exomes 0.00161.
gnomAD v4.1: 2,899 of 1,613,982 alleles (0.18%); highest among the groups gnomAD compares: Non-Finnish European, 0.2%; 7 homozygotes.

Submissions (8):

Labcorp Genetics (formerly Invitae), Labcorp
Classification: Likely benign for Senior-Loken syndrome 8; Asphyxiating thoracic dystrophy 5. Last evaluated: 2026-01-26. Review status: criteria provided, single submitter. Criteria: Invitae Variant Classification Sherloc (09022015). Collection method: clinical testing. Allele origin: germline.

Blueprint Genetics
Classification: Likely benign. Last evaluated: 2024-11-14. Review status: criteria provided, single submitter. Criteria: ACMG Guidelines, 2015. Collection method: clinical testing. Allele origin: germline.

ARUP Laboratories, Molecular Genetics and Genomics, ARUP Laboratories
Classification: Uncertain significance. Last evaluated: 2023-10-09. Review status: criteria provided, single submitter. Criteria: ARUP Molecular Germline Variant Investigation Process 2024. Collection method: clinical testing. Allele origin: germline.
Comment: The WDR19 c.3667C>T; p.Arg1223Cys variant (rs201597047), to our knowledge, is not reported in the medical literature but is reported in ClinVar (Variation ID: 348754). This variant is found in the general population with an overall allele frequency of 0.16% (447/280632 alleles, including 3 homozygotes) in the Genome Aggregation Database. The arginine at position 1223 is moderately conserved, and computational analyses predict that this variant is deleterious (REVEL: 0.750). Due to limited information, the clinical significance of this variant is uncertain at this time.

Department of Pathology and Laboratory Medicine, Sinai Health System
Classification: Likely benign for Asphyxiating thoracic dystrophy 5; Nephronophthisis 13; Cranioectodermal dysplasia 4; Senior-Loken syndrome 8; Spermatogenic failure 72. Last evaluated: 2020-07-10. Review status: criteria provided, single submitter. Criteria: ACMG Guidelines, 2015. Collection method: research. Allele origin: germline.

Illumina Laboratory Services, Illumina
Classification: Uncertain significance for Asphyxiating thoracic dystrophy 5. Last evaluated: 2018-01-13. Review status: criteria provided, single submitter. Criteria: ICSL Variant Classification Criteria 13 December 2019. Collection method: clinical testing. Allele origin: germline.

Illumina Laboratory Services, Illumina
Classification: Uncertain significance for Cranioectodermal dysplasia 4. Last evaluated: 2018-01-13. Review status: criteria provided, single submitter. Criteria: ICSL Variant Classification Criteria 13 December 2019. Collection method: clinical testing. Allele origin: germline.

CeGaT Center for Human Genetics Tuebingen
Classification: Uncertain significance. Last evaluated: 2016-10-01. Review status: criteria provided, single submitter. Criteria: CeGaT Center For Human Genetics Tuebingen Variant Classification Criteria Version 2. Collection method: clinical testing. Allele origin: germline. Affected: yes. Observed: 1 variant allele.

PreventionGenetics, part of Exact Sciences
Classification: Benign for WDR19-related condition. Last evaluated: 2019-08-07. Review status: no assertion criteria provided. Collection method: clinical testing. Allele origin: germline. Not counted in ClinVar's aggregate classification.
Comment: This variant is classified as benign based on ACMG/AMP sequence variant interpretation guidelines (Richards et al. 2015 PMID: 25741868, with internal and published modifications).

NM_025132.4(WDR19):c.3667C>T (p.Arg1223Cys)

Gene: WDR19 (WD repeat domain 19; plus strand). Cytogenetic location: 4p14.
Variant type: single nucleotide variant.
Coding change: c.3667C>T on transcript NM_025132.4 (MANE Select); coding-DNA position 3667, C replaced by T.
Protein change: p.Arg1223Cys; replaces arginine 1223 with cysteine.
Molecular consequence: missense variant.
Genome position (GRCh38, 1-based): chr4:39,274,909, C>T. VCF-style: chr4-39274909-C-T. GRCh37 (hg19) VCF-style: chr4-39276529-C-T.
Other names: c.3187C>T, p.Arg1063Cys (NM_001317924.2); short protein forms R1223C, R1063C.
Identifiers: ClinVar variation 348754 (VCV000348754.67), dbSNP rs201597047, ClinGen allele CA2892440.